The following is an entry in ClinVar:

NM_177977.3(HAP1):c.470-7C>G

Gene: HAP1 (huntingtin associated protein 1; minus strand). Cytogenetic location: 17q21.2.
Variant type: single nucleotide variant.
Coding change: c.470-7C>G on transcript NM_177977.3 (MANE Select); 7 bases into the intron before coding-DNA position 470, C replaced by G.
Molecular consequence: intron variant.
Genome position (GRCh38, 1-based): chr17:41,732,805, G>C on the plus strand (C>G on the coding strand, the complement: HAP1 is on the minus strand). VCF-style: chr17-41732805-G-C. GRCh37 (hg19) VCF-style: chr17-39889057-G-C.
Other names: c.470-7C>G (NM_001367462.1, NM_001367461.1, NM_001367460.1 and 3 more transcripts).
Identifiers: ClinVar variation 3042666 (VCV003042666.2), dbSNP rs781819344, ClinGen allele CA8564792.
Genomic context (GRCh38, chr17:41,732,805, plus strand): 5'-TGACGTCTTCCTGGGTGATCTTTTTGACTGGCGGAGGTAGGTTAGGACACAGTGCTGCAG[G>C]AGGCGGCAGGTGGGGAGAAAAGGCCCAGCCAGGTCAGGAAAAAGGAGCAGATGCTACCAG-3'

ClinVar aggregate classification (germline): Likely benign (0 of 4 stars; one submission).

Conditions:
HAP1-related disorder. Also called: HAP1-related condition.

Allele frequency attached by ClinVar (database versions not stated): TOPMed below 0.00001; ExAC 0.00004.
gnomAD v4.1: 37 of 1,567,232 alleles (0.0024%); highest among the groups gnomAD compares: South Asian, 0.035%; 2 homozygotes.

Submission:

PreventionGenetics, part of Exact Sciences
Classification: Likely benign for HAP1-related condition. Last evaluated: 2019-06-27. Review status: no assertion criteria provided. Collection method: clinical testing. Allele origin: germline.
Comment: This variant is classified as likely benign based on ACMG/AMP sequence variant interpretation guidelines (Richards et al. 2015 PMID: 25741868, with internal and published modifications).